The following is an entry in ClinVar:

ClinVar aggregate classification (germline): Uncertain significance (1 of 4 stars; one submission).

Conditions:
Hereditary cancer-predisposing syndrome. Also called: Hereditary neoplastic syndrome; Hereditary Cancer Syndrome; Neoplastic Syndromes, Hereditary; Tumor predisposition. Identifiers: Orphanet 140162, MedGen C0027672, MeSH D009386, MONDO:0015356.

Submission:

Ambry Genetics
Classification: Uncertain significance for Hereditary cancer-predisposing syndrome. Last evaluated: 2023-06-01. Review status: criteria provided, single submitter. Criteria: Ambry Variant Classification Scheme 2023. Collection method: clinical testing. Allele origin: germline.
Comment: The p.V1004I variant (also known as c.3010G>A), located in coding exon 18 of the ALK gene, results from a G to A substitution at nucleotide position 3010. The valine at codon 1004 is replaced by isoleucine, an amino acid with highly similar properties. This amino acid position is conserved. In addition, this alteration is predicted to be tolerated by in silico analysis. Since supporting evidence is limited at this time, the clinical significance of this alteration remains unclear.

NM_004304.5(ALK):c.3010G>A (p.Val1004Ile)

Gene: ALK (ALK receptor tyrosine kinase; minus strand). Cytogenetic location: 2p23.2.
Variant type: single nucleotide variant.
Coding change: c.3010G>A on transcript NM_004304.5 (MANE Select); coding-DNA position 3010, G replaced by A.
Protein change: p.Val1004Ile; replaces valine 1004 with isoleucine.
Molecular consequence: missense variant.
Genome position (GRCh38, 1-based): chr2:29,226,979, C>T on the plus strand (G>A on the coding strand, the complement: ALK is on the minus strand). VCF-style: chr2-29226979-C-T. GRCh37 (hg19) VCF-style: chr2-29449845-C-T.
Other names: short protein forms V1004I.
Identifiers: ClinVar variation 2566606 (VCV002566606.2), dbSNP rs2148178462, ClinGen allele CA346467648.